The following is an entry in ClinVar:

NM_024652.6(LRRK1):c.5788G>A (p.Val1930Ile)

Genes: LRRK1 (leucine rich repeat kinase 1; plus strand), LRRK1-AS1 (LRRK1 antisense RNA 1; minus strand). Cytogenetic location: 15q26.3.
Variant type: single nucleotide variant.
Coding change: c.5788G>A on transcript NM_024652.6 (MANE Select); coding-DNA position 5788, G replaced by A.
Protein change: p.Val1930Ile; replaces valine 1930 with isoleucine.
Molecular consequence: missense variant.
Genome position (GRCh38, 1-based): chr15:101,066,659, G>A. VCF-style: chr15-101066659-G-A. GRCh37 (hg19) VCF-style: chr15-101606864-G-A.
Other names: short protein forms V1930I.
Identifiers: ClinVar variation 2053863 (VCV002053863.2), dbSNP rs201481845, ClinGen allele CA7762255.

ClinVar aggregate classification (germline): Uncertain significance (1 of 4 stars; one submission).

Allele frequency attached by ClinVar (database versions not stated): gnomAD exomes 0.00008; gnomAD 0.00013; TOPMed 0.00014; ExAC 0.00018; 1000 Genomes Project 0.00040; ESP Exome Variant Server 0.00056; 1000 Genomes Project 30x 0.00062.
gnomAD v4.1: 138 of 1,614,192 alleles (0.0085%); highest among the groups gnomAD compares: Admixed American, 0.038%; no homozygotes.

Submission:

Labcorp Genetics (formerly Invitae), Labcorp
Classification: Uncertain significance. Last evaluated: 2024-10-07. Review status: criteria provided, single submitter. Criteria: Invitae Variant Classification Sherloc (09022015). Collection method: clinical testing. Allele origin: germline.
Comment: This sequence change replaces valine, which is neutral and non-polar, with isoleucine, which is neutral and non-polar, at codon 1930 of the LRRK1 protein (p.Val1930Ile). This variant is present in population databases (rs201481845, gnomAD 0.05%). This variant has not been reported in the literature in individuals affected with LRRK1-related conditions. ClinVar contains an entry for this variant (Variation ID: 2053863). An algorithm developed to predict the effect of missense changes on protein structure and function outputs the following: PolyPhen-2: "Benign". The isoleucine amino acid residue is found in multiple mammalian species, which suggests that this missense change does not adversely affect protein function. In summary, the available evidence is currently insufficient to determine the role of this variant in disease. Therefore, it has been classified as a Variant of Uncertain Significance.